The following is an entry in ClinVar:

NM_003590.5(CUL3):c.*940C>T

Gene: CUL3 (cullin 3; minus strand). Cytogenetic location: 2q36.2.
Variant type: single nucleotide variant.
Coding change: c.*940C>T on transcript NM_003590.5 (MANE Select); 940 bases downstream of the stop codon, C replaced by T.
Molecular consequence: 3 prime UTR variant.
Genome position (GRCh38, 1-based): chr2:224,473,305, G>A on the plus strand (C>T on the coding strand, the complement: CUL3 is on the minus strand). VCF-style: chr2-224473305-G-A. GRCh37 (hg19) VCF-style: chr2-225338022-G-A.
Other names: c.*940C>T (NM_001257197.2, NM_001257198.2).
Identifiers: ClinVar variation 334618 (VCV000334618.7), dbSNP rs3768897, ClinGen allele CA10614374.

ClinVar aggregate classification (germline): Benign. Review status: criteria provided, multiple submitters, no conflicts (2 of 4 stars). 2 submissions from 2 submitters: Benign (2). Last evaluated 2018-01-13.

Conditions:
Pseudohypoaldosteronism type 2E (PHA2E). Also called: Pseudohypoaldosteronism Type IIE. Identifiers: Orphanet 300530, Orphanet 757, MedGen C3469606, MONDO:0013782, OMIM 614496.

Allele frequency attached by ClinVar (database versions not stated): TOPMed 0.19164; 1000 Genomes Project 30x 0.23267; 1000 Genomes Project 0.23383.

Submissions (2):

Illumina Laboratory Services, Illumina
Classification: Benign for Pseudohypoaldosteronism type 2E. Last evaluated: 2018-01-13. Review status: criteria provided, single submitter. Criteria: ICSL Variant Classification Criteria 13 December 2019. Collection method: clinical testing. Allele origin: germline.
Comment: This variant was observed in the ICSL laboratory as part of a predisposition screen in an ostensibly healthy population. It had not been previously curated by ICSL or reported in the Human Gene Mutation Database (HGMD: prior to June 1st, 2018), and was therefore a candidate for classification through an automated scoring system. Utilizing variant allele frequency, disease prevalence and penetrance estimates, and inheritance mode, an automated score was calculated to assess if this variant is too frequent to cause the disease. Based on the score and internal cut-off values, a variant classified as benign is not then subjected to further curation. The score for this variant resulted in a classification of benign for this disease.

Breakthrough Genomics
Classification: Benign. Review status: criteria provided, single submitter. Criteria: ACMG Guidelines, 2015. Collection method: not provided. Allele origin: germline. Inheritance: Autosomal dominant inheritance. Affected: yes.